The following is an entry in ClinVar:

NM_000260.4(MYO7A):c.2335C>T (p.Arg779Trp)

Gene: MYO7A (myosin VIIA; plus strand). Cytogenetic location: 11q13.5.
Variant type: single nucleotide variant.
Coding change: c.2335C>T on transcript NM_000260.4 (MANE Select); coding-DNA position 2335, C replaced by T.
Protein change: p.Arg779Trp; replaces arginine 779 with tryptophan.
Molecular consequence: missense variant.
Genome position (GRCh38, 1-based): chr11:77,179,097, C>T. VCF-style: chr11-77179097-C-T. GRCh37 (hg19) VCF-style: chr11-76890143-C-T.
Other names: c.2335C>T, p.Arg779Trp (NM_001127180.2); c.2302C>T, p.Arg768Trp (NM_001369365.1); short protein forms R768W, R779W.
Identifiers: ClinVar variation 1213571 (VCV001213571.5), dbSNP rs919516884, ClinGen allele CA224840783.

ClinVar aggregate classification (germline): Uncertain significance. Review status: criteria provided, multiple submitters, no conflicts (2 of 4 stars). 3 submissions from 3 submitters: Uncertain significance (2). 1 of the submissions does not count toward it. Last evaluated 2025-06-15.

Conditions:
Usher syndrome type 1B (USH1B). Also called: Usher syndrome type IB. Identifiers: MedGen C1848638, MONDO:0700087.

Allele frequency attached by ClinVar (database versions not stated): TOPMed below 0.00001; gnomAD 0.00001; gnomAD exomes 0.00001.
gnomAD v4.1: 14 of 1,607,154 alleles (0.00087%); highest among the groups gnomAD compares: East Asian, 0.0022%; no homozygotes.

Submissions (3):

Labcorp Genetics (formerly Invitae), Labcorp
Classification: Uncertain significance. Last evaluated: 2025-06-15. Review status: criteria provided, single submitter. Criteria: Invitae Variant Classification Sherloc (09022015). Collection method: clinical testing. Allele origin: germline.
Comment: This sequence change replaces arginine, which is basic and polar, with tryptophan, which is neutral and slightly polar, at codon 779 of the MYO7A protein (p.Arg779Trp). The frequency data for this variant in the population databases is considered unreliable, as metrics indicate poor data quality at this position in the gnomAD database. This variant has not been reported in the literature in individuals affected with MYO7A-related conditions. ClinVar contains an entry for this variant (Variation ID: 1213571). Invitae Evidence Modeling of protein sequence and biophysical properties (such as structural, functional, and spatial information, amino acid conservation, physicochemical variation, residue mobility, and thermodynamic stability) indicates that this missense variant is expected to disrupt MYO7A protein function with a positive predictive value of 95%. In summary, the available evidence is currently insufficient to determine the role of this variant in disease. Therefore, it has been classified as a Variant of Uncertain Significance.

GeneDx
Classification: Uncertain significance. Last evaluated: 2019-05-01. Review status: criteria provided, single submitter. Criteria: GeneDx Variant Classification Process June 2021. Collection method: clinical testing. Allele origin: germline. Affected: yes.
Comment: In silico analysis, which includes protein predictors and evolutionary conservation, supports a deleterious effect; Has not been previously published as pathogenic or benign to our knowledge

Natera, Inc.
Classification: Uncertain significance for Usher syndrome type 1B. Last evaluated: 2020-08-29. Review status: no assertion criteria provided. Collection method: clinical testing. Allele origin: germline. Not counted in ClinVar's aggregate classification.